The following is an entry in ClinVar:

NM_001374385.1(ATP8B1):c.3131C>G (p.Ser1044Trp)

Genes: ATP8B1 (ATPase phospholipid transporting 8B1; minus strand), ATP8B1-AS1 (ATP8B1 antisense RNA 1; plus strand). Cytogenetic location: 18q21.31.
Variant type: single nucleotide variant.
Coding change: c.3131C>G on transcript NM_001374385.1 (MANE Select); coding-DNA position 3131, C replaced by G.
Protein change: p.Ser1044Trp; replaces serine 1044 with tryptophan.
Molecular consequence: missense variant.
Genome position (GRCh38, 1-based): chr18:57,652,614, G>C on the plus strand (C>G on the coding strand, the complement: ATP8B1 is on the minus strand). VCF-style: chr18-57652614-G-C. GRCh37 (hg19) VCF-style: chr18-55319846-G-C.
Other names: c.2981C>G, p.Ser994Trp (NM_001374386.1); c.3131C>G, p.Ser1044Trp (NM_005603.6); short protein forms S1044W, S994W.
Identifiers: ClinVar variation 4996970 (VCV004996970.1).

ClinVar aggregate classification (germline): Uncertain significance (1 of 4 stars; one submission).

Conditions:
ATP8B1-related disorder. Also called: ATP8B1-related disorders; ATP8B1-related condition.

Submission:

PreventionGenetics, part of Exact Sciences
Classification: Uncertain significance for ATP8B1-related condition. Last evaluated: 2025-03-13. Review status: criteria provided, single submitter. Criteria: ACMG Guidelines, 2015. Collection method: clinical testing. Allele origin: germline.
Comment: The ATP8B1 c.3131C>G variant is predicted to result in the amino acid substitution p.Ser1044Trp. To our knowledge, this variant has not been reported in the literature or in a large population database (gnomAD), indicating this variant is rare. An alternate missense change at the same amino acid position (p.Ser1044Leu) has been reported in the homozygous state in an individual with benign recurrent intrahepatic cholestasis (Nagasaka et al. 2007. PubMed ID: 17592371). At this time, the clinical significance of this variant is uncertain due to the absence of conclusive functional and genetic evidence.